The following is an entry in ClinVar:

NM_006393.3(NEBL):c.1805G>T (p.Gly602Val)

Gene: NEBL (nebulette; minus strand). Cytogenetic location: 10p12.31.
Variant type: single nucleotide variant.
Coding change: c.1805G>T on transcript NM_006393.3 (MANE Select); coding-DNA position 1805, G replaced by T.
Protein change: p.Gly602Val; replaces glycine 602 with valine.
Molecular consequence: missense variant. On other transcripts: intron variant (9).
Genome position (GRCh38, 1-based): chr10:20,826,511, C>A on the plus strand (G>T on the coding strand, the complement: NEBL is on the minus strand). VCF-style: chr10-20826511-C-A. GRCh37 (hg19) VCF-style: chr10-21115440-C-A.
Other names: c.250-13571G>T (NM_001377326.1, NM_001377327.1, NM_001377328.1); c.358-13571G>T (NM_213569.2, NM_001173484.2, NM_001377322.1); c.301-13571G>T (NM_001377324.1); c.292-13571G>T (NM_001377325.1); c.310-13571G>T (NM_001377323.1); short protein forms G602V.
Identifiers: ClinVar variation 4118413 (VCV004118413.1).

ClinVar aggregate classification (germline): Uncertain significance (1 of 4 stars; one submission).

gnomAD v4.1: 2 of 1,612,084 alleles (0.00012%); highest among the groups gnomAD compares: Non-Finnish European, 0.00017%; no homozygotes.

Submission:

Ambry Genetics
Classification: Uncertain significance. Last evaluated: 2025-09-07. Review status: criteria provided, single submitter. Criteria: Ambry Variant Classification Scheme 2023. Collection method: clinical testing. Allele origin: germline.
Comment: The p.G602V variant (also known as c.1805G>T), located in coding exon 18 of the NEBL gene, results from a G to T substitution at nucleotide position 1805. The glycine at codon 602 is replaced by valine, an amino acid with dissimilar properties. This amino acid position is conserved. In addition, this alteration is predicted to be tolerated by in silico analysis. Based on the available evidence, the clinical significance of this variant remains unclear.